The following is an entry in ClinVar:

ClinVar aggregate classification (germline): Uncertain significance. Review status: criteria provided, multiple submitters, no conflicts (2 of 4 stars). 4 submissions from 4 submitters: Uncertain significance (4). Last evaluated 2026-04-16.

Conditions:
Inborn genetic diseases. Identifiers: MedGen C0950123, MeSH D030342.
Charcot-Marie-Tooth disease axonal type 2O. Also called: CHARCOT-MARIE-TOOTH NEUROPATHY, AXONAL, TYPE 2O; CHARCOT-MARIE-TOOTH DISEASE, AXONAL, AUTOSOMAL DOMINANT, TYPE 2O; Charcot-Marie-Tooth Neuropathy Type 2O; Charcot-Marie-Tooth disease, axonal, type 20. Identifiers: Orphanet 284232, MedGen C3280220, MONDO:0013644, OMIM 614228.

Allele frequency attached by ClinVar (database versions not stated): gnomAD exomes below 0.00001; TOPMed below 0.00001.
gnomAD v4.1: 3 of 1,614,180 alleles (0.00019%); highest among the groups gnomAD compares: Admixed American, 0.0017%; no homozygotes.

Submissions (4):

GeneDx
Classification: Uncertain significance. Last evaluated: 2026-04-16. Review status: criteria provided, single submitter. Criteria: GeneDx Variant Classification Process June 2021. Collection method: clinical testing. Allele origin: germline.
Comment: In silico analysis supports that this missense variant has a deleterious effect on protein structure/function; Has not been previously published as pathogenic or benign to our knowledge; This variant is associated with the following publications: (PMID: 25512093, 25609763, 26100331)

Labcorp Genetics (formerly Invitae), Labcorp
Classification: Uncertain significance for Charcot-Marie-Tooth disease axonal type 2O. Last evaluated: 2023-04-04. Review status: criteria provided, single submitter. Criteria: Invitae Variant Classification Sherloc (09022015). Collection method: clinical testing. Allele origin: germline.
Comment: This sequence change replaces threonine, which is neutral and polar, with asparagine, which is neutral and polar, at codon 1430 of the DYNC1H1 protein (p.Thr1430Asn). This variant is present in population databases (no rsID available, gnomAD 0.003%). This variant has not been reported in the literature in individuals affected with DYNC1H1-related conditions. ClinVar contains an entry for this variant (Variation ID: 987871). Advanced modeling of protein sequence and biophysical properties (such as structural, functional, and spatial information, amino acid conservation, physicochemical variation, residue mobility, and thermodynamic stability) performed at Invitae indicates that this missense variant is expected to disrupt DYNC1H1 protein function. In summary, the available evidence is currently insufficient to determine the role of this variant in disease. Therefore, it has been classified as a Variant of Uncertain Significance.

Women's Health and Genetics/Laboratory Corporation of America, LabCorp
Classification: Uncertain significance. Last evaluated: 2020-11-10. Review status: criteria provided, single submitter. Criteria: LabCorp Variant Classification Summary - May 2015. Collection method: clinical testing. Allele origin: germline.
Comment: Variant summary: DYNC1H1 c.4289C>A (p.Thr1430Asn) results in a non-conservative amino acid change located in the Dynein heavy chain, domain-2 (IPR013602) of the encoded protein sequence. Four of five in-silico tools predict a damaging effect of the variant on protein function. The variant allele was found at a frequency of 4e-06 in 251490 control chromosomes. The available data on variant occurrences in the general population are insufficient to allow any conclusion about variant significance. To our knowledge, no occurrence of c.4289C>A in individuals affected with DYNC1H1-Related Disorders and no experimental evidence demonstrating its impact on protein function have been reported. No clinical diagnostic laboratories have submitted clinical-significance assessments for this variant to ClinVar after 2014. Based on the evidence outlined above, the variant was classified as uncertain significance.

Ambry Genetics
Classification: Uncertain significance for Inborn genetic diseases. Last evaluated: 2017-12-14. Review status: criteria provided, single submitter. Criteria: Ambry Variant Classification Scheme 2023. Collection method: clinical testing. Allele origin: germline.
Comment: The p.T1430N variant (also known as c.4289C>A), located in coding exon 20 of the DYNC1H1 gene, results from a C to A substitution at nucleotide position 4289. The threonine at codon 1430 is replaced by asparagine, an amino acid with similar properties. This amino acid position is highly conserved in available vertebrate species. In addition, the in silico prediction for this alteration is inconclusive. Since supporting evidence is limited at this time, the clinical significance of this alteration remains unclear.

NM_001376.5(DYNC1H1):c.4289C>A (p.Thr1430Asn)

Gene: DYNC1H1 (dynein cytoplasmic 1 heavy chain 1; plus strand). Cytogenetic location: 14q32.31.
Variant type: single nucleotide variant.
Coding change: c.4289C>A on transcript NM_001376.5 (MANE Select); coding-DNA position 4289, C replaced by A.
Protein change: p.Thr1430Asn; replaces threonine 1430 with asparagine.
Molecular consequence: missense variant.
Genome position (GRCh38, 1-based): chr14:102,001,248, C>A. VCF-style: chr14-102001248-C-A. GRCh37 (hg19) VCF-style: chr14-102467585-C-A.
Other names: short protein forms T1430N.
Identifiers: ClinVar variation 987871 (VCV000987871.7), dbSNP rs1171366952, ClinGen allele CA391040507.